The following is an entry in ClinVar:

ClinVar aggregate classification (germline): Uncertain significance (1 of 4 stars; one submission).

Submission:

Ambry Genetics
Classification: Uncertain significance. Last evaluated: 2023-06-25. Review status: criteria provided, single submitter. Criteria: Ambry Variant Classification Scheme 2023. Collection method: clinical testing. Allele origin: germline.
Comment: The p.R1261G variant (also known as c.3781A>G), located in coding exon 16 of the POLQ gene, results from an A to G substitution at nucleotide position 3781. The arginine at codon 1261 is replaced by glycine, an amino acid with dissimilar properties. This amino acid position is conserved. In addition, this alteration is predicted to be tolerated by in silico analysis. Since supporting evidence is limited at this time, the clinical significance of this alteration remains unclear.

NM_199420.4(POLQ):c.3781A>G (p.Arg1261Gly)

Gene: POLQ (DNA polymerase theta; minus strand). Cytogenetic location: 3q13.33.
Variant type: single nucleotide variant.
Coding change: c.3781A>G on transcript NM_199420.4 (MANE Select); coding-DNA position 3781, A replaced by G.
Protein change: p.Arg1261Gly; replaces arginine 1261 with glycine.
Molecular consequence: missense variant.
Genome position (GRCh38, 1-based): chr3:121,489,150, T>C on the plus strand (A>G on the coding strand, the complement: POLQ is on the minus strand). VCF-style: chr3-121489150-T-C. GRCh37 (hg19) VCF-style: chr3-121207997-T-C.
Other names: short protein forms R1261G.
Identifiers: ClinVar variation 2625449 (VCV002625449.2), dbSNP rs2546786944, ClinGen allele CA354097308.